The following is an entry in ClinVar:

ClinVar aggregate classification (germline): Uncertain significance. Review status: criteria provided, multiple submitters, no conflicts (2 of 4 stars). 2 submissions from 2 submitters: Uncertain significance (2). Last evaluated 2022-11-29.

Allele frequency attached by ClinVar (database versions not stated): TOPMed below 0.00001; gnomAD 0.00001.
gnomAD v4.1: 2 of 1,608,020 alleles (0.00012%); highest among the groups gnomAD compares: Non-Finnish European, 0.00017%; no homozygotes.

Submissions (2):

GeneDx
Classification: Uncertain significance. Last evaluated: 2022-11-29. Review status: criteria provided, single submitter. Criteria: GeneDx Variant Classification Process June 2021. Collection method: clinical testing. Allele origin: germline. Affected: yes.
Comment: Not observed at significant frequency in large population cohorts (gnomAD); In silico analysis supports that this missense variant does not alter protein structure/function; Has not been previously published as pathogenic or benign to our knowledge

Ambry Genetics
Classification: Uncertain significance. Last evaluated: 2022-10-27. Review status: criteria provided, single submitter. Criteria: Ambry Variant Classification Scheme 2023. Collection method: clinical testing. Allele origin: germline.

NM_001378328.1(CELSR1):c.7325C>T (p.Ala2442Val)

Gene: CELSR1 (cadherin EGF LAG seven-pass G-type receptor 1; minus strand). Cytogenetic location: 22q13.31.
Variant type: single nucleotide variant.
Coding change: c.7325C>T on transcript NM_001378328.1 (MANE Select); coding-DNA position 7325, C replaced by T.
Protein change: p.Ala2442Val; replaces alanine 2442 with valine.
Molecular consequence: missense variant.
Genome position (GRCh38, 1-based): chr22:46,378,649, G>A on the plus strand (C>T on the coding strand, the complement: CELSR1 is on the minus strand). VCF-style: chr22-46378649-G-A. GRCh37 (hg19) VCF-style: chr22-46774546-G-A.
Other names: c.7325C>T, p.Ala2442Val (NM_014246.4); short protein forms A2442V.
Identifiers: ClinVar variation 2321147 (VCV002321147.3), dbSNP rs1369072961, ClinGen allele CA411932954.